The following is an entry in ClinVar:

NM_004006.3(DMD):c.4728G>C (p.Met1576Ile)

Gene: DMD (dystrophin; minus strand). Cytogenetic location: Xp21.1.
Variant type: single nucleotide variant.
Coding change: c.4728G>C on transcript NM_004006.3 (MANE Select); coding-DNA position 4728, G replaced by C.
Protein change: p.Met1576Ile; replaces methionine 1576 with isoleucine.
Molecular consequence: missense variant.
Genome position (GRCh38, 1-based): chrX:32,380,627, C>G on the plus strand (G>C on the coding strand, the complement: DMD is on the minus strand). VCF-style: chrX-32380627-C-G. GRCh37 (hg19) VCF-style: chrX-32398744-C-G.
Other names: c.4704G>C, p.Met1568Ile (NM_000109.4); c.4716G>C, p.Met1572Ile (NM_004009.3); c.4359G>C, p.Met1453Ile (NM_004010.3); c.705G>C, p.Met235Ile (NM_004011.4); c.696G>C, p.Met232Ile (NM_004012.4); short protein forms M1572I, M1576I, M1453I, M1568I, M235I, M232I.
Identifiers: ClinVar variation 935589 (VCV000935589.7), dbSNP rs757160024, ClinGen allele CA10378876.

ClinVar aggregate classification (germline): Conflicting classifications of pathogenicity. Review status: criteria provided, conflicting classifications (1 of 4 stars). 4 submissions from 4 submitters: Uncertain significance (2); Likely benign (1). 1 of the submissions does not count toward it. Last evaluated 2024-09-24.

Conditions:
Cardiovascular phenotype. Identifiers: MedGen CN230736.
Dilated cardiomyopathy 3B (CMD3B). Also called: CMD3B: DMD-Related Dilated Cardiomyopathy; CARDIOMYOPATHY, DILATED, X-LINKED; DMD-Associated Dilated Cardiomyopathy. Identifiers: Orphanet 154, MedGen C3668940, MONDO:0010542, OMIM 302045.
Becker muscular dystrophy (BMD). Also called: MUSCULAR DYSTROPHY, PSEUDOHYPERTROPHIC PROGRESSIVE, BECKER TYPE; Becker Muscular Dystrophy (BMD). Identifiers: Orphanet 98895, MedGen C0917713, MONDO:0010311, OMIM 300376.
Duchenne muscular dystrophy (DMD). Also called: Duchenne Muscular Dystrophy (DMD); MUSCULAR DYSTROPHY, PSEUDOHYPERTROPHIC PROGRESSIVE, DUCHENNE TYPE. Identifiers: Orphanet 98896, MedGen C0013264, MONDO:0010679, OMIM 310200.
Cardiomyopathy (CMYO). Also called: Cardiomyopathies. Identifiers: Orphanet 167848, MedGen C0878544, MONDO:0004994, HP:0001638. Inheritance: Various modes of inheritance.
Dystrophin deficiency.

Allele frequency attached by ClinVar (database versions not stated): ExAC 0.00001; gnomAD exomes 0.00001; TOPMed 0.00001; gnomAD 0.00002 and 0.00003.

Submissions (4):

Ambry Genetics
Classification: Likely benign for Cardiovascular phenotype. Last evaluated: 2024-09-24. Review status: criteria provided, single submitter. Criteria: Ambry Variant Classification Scheme 2023. Collection method: clinical testing. Allele origin: germline.

Labcorp Genetics (formerly Invitae), Labcorp
Classification: Uncertain significance for Duchenne muscular dystrophy. Last evaluated: 2024-09-21. Review status: criteria provided, single submitter. Criteria: Invitae Variant Classification Sherloc (09022015). Collection method: clinical testing. Allele origin: germline.
Comment: This sequence change replaces methionine, which is neutral and non-polar, with isoleucine, which is neutral and non-polar, at codon 1576 of the DMD protein (p.Met1576Ile). The frequency data for this variant in the population databases is considered unreliable, as metrics indicate poor data quality at this position in the gnomAD database. This variant has not been reported in the literature in individuals affected with DMD-related conditions. ClinVar contains an entry for this variant (Variation ID: 935589). Invitae Evidence Modeling of protein sequence and biophysical properties (such as structural, functional, and spatial information, amino acid conservation, physicochemical variation, residue mobility, and thermodynamic stability) indicates that this missense variant is not expected to disrupt DMD protein function with a negative predictive value of 95%. In summary, the available evidence is currently insufficient to determine the role of this variant in disease. Therefore, it has been classified as a Variant of Uncertain Significance.

Fulgent Genetics
Classification: Uncertain significance for Becker muscular dystrophy; Dilated cardiomyopathy 3B; Duchenne muscular dystrophy. Last evaluated: 2022-01-17. Review status: criteria provided, single submitter. Criteria: ACMG Guidelines, 2015. Collection method: clinical testing. Allele origin: unknown.

Natera, Inc.
Classification: Uncertain significance for Becker muscular dystrophy; Cardiomyopathy; Duchenne muscular dystrophy; Dystrophin deficiency. Last evaluated: 2018-11-26. Review status: no assertion criteria provided. Collection method: clinical testing. Allele origin: germline. Not counted in ClinVar's aggregate classification.